The following is an entry in ClinVar:

NM_024589.3(ROGDI):c.118-3C>T

Gene: ROGDI (rogdi atypical leucine zipper; minus strand). Cytogenetic location: 16p13.3.
Variant type: single nucleotide variant.
Coding change: c.118-3C>T on transcript NM_024589.3 (MANE Select); 3 bases into the intron before coding-DNA position 118, C replaced by T.
Molecular consequence: intron variant.
Genome position (GRCh38, 1-based): chr16:4,801,588, G>A on the plus strand (C>T on the coding strand, the complement: ROGDI is on the minus strand). VCF-style: chr16-4801588-G-A. GRCh37 (hg19) VCF-style: chr16-4851589-G-A.
Identifiers: ClinVar variation 844035 (VCV000844035.3), dbSNP rs144168578, ClinGen allele CA277141715.

ClinVar aggregate classification (germline): Uncertain significance (1 of 4 stars; one submission).

Conditions:
Amelocerebrohypohidrotic syndrome (KTZS). Also called: KOHLSCHUTTER SYNDROME; Kohlschutter's syndrome; EPILEPSY AND YELLOW TEETH; EPILEPSY, DEMENTIA, AND AMELOGENESIS IMPERFECTA. Identifiers: Orphanet 1946, MedGen C0406740, MONDO:0009185, OMIM 226750.

Allele frequency attached by ClinVar (database versions not stated): gnomAD 0.00001; gnomAD exomes 0.00001; TOPMed 0.00001; 1000 Genomes Project 30x 0.00016; 1000 Genomes Project 0.00020.

Submission:

Labcorp Genetics (formerly Invitae), Labcorp
Classification: Uncertain significance for Amelocerebrohypohidrotic syndrome. Last evaluated: 2019-12-14. Review status: criteria provided, single submitter. Criteria: Invitae Variant Classification Sherloc (09022015). Collection method: clinical testing. Allele origin: germline.
Comment: This sequence change falls in intron 2 of the ROGDI gene. It does not directly change the encoded amino acid sequence of the ROGDI protein, but it affects a nucleotide within the consensus splice site of the intron. This variant is not present in population databases (ExAC no frequency). This variant has not been reported in the literature in individuals with ROGDI-related conditions. Nucleotide substitutions within the consensus splice site are a relatively common cause of aberrant splicing (PMID: 17576681, 9536098). Algorithms developed to predict the effect of sequence changes on RNA splicing suggest that this variant is not likely to affect RNA splicing, but this prediction has not been confirmed by published transcriptional studies. In summary, the available evidence is currently insufficient to determine the role of this variant in disease. Therefore, it has been classified as a Variant of Uncertain Significance.

Literature cited by the submitters: PubMed 17576681; PubMed 9536098.